The following is an entry in ClinVar:

NM_005592.4(MUSK):c.2408A>G (p.Tyr803Cys)

Gene: MUSK (muscle associated receptor tyrosine kinase; plus strand). Cytogenetic location: 9q31.3.
Variant type: single nucleotide variant.
Coding change: c.2408A>G on transcript NM_005592.4 (MANE Select); coding-DNA position 2408, A replaced by G.
Protein change: p.Tyr803Cys; replaces tyrosine 803 with cysteine.
Molecular consequence: missense variant.
Genome position (GRCh38, 1-based): chr9:110,800,786, A>G. VCF-style: chr9-110800786-A-G. GRCh37 (hg19) VCF-style: chr9-113563066-A-G.
Other names: c.2150A>G, p.Tyr717Cys (NM_001166280.2); c.2120A>G, p.Tyr707Cys (NM_001166281.2); c.1148A>G, p.Tyr383Cys (NM_001369398.1); short protein forms Y803C, Y383C, Y717C, Y707C.
Identifiers: ClinVar variation 452225 (VCV000452225.9), dbSNP rs376837791, ClinGen allele CA198363795.

ClinVar aggregate classification (germline): Conflicting classifications of pathogenicity. Review status: criteria provided, conflicting classifications (1 of 4 stars). 3 submissions from 3 submitters: Likely pathogenic (1); Uncertain significance (2). Last evaluated 2024-12-10.

Conditions:
Congenital myasthenic syndrome 9. Also called: Myasthenic syndrome, congenital, 9, associated with acetylcholine receptor deficiency. Identifiers: Orphanet 590, MedGen C4225368, MONDO:0014587, OMIM 616325.
Fetal akinesia deformation sequence 1 (FADS1). Also called: Pena-Shokeir syndrome type I; Fetal akinesia sequence. Identifiers: Orphanet 994, MedGen C1276035, MONDO:0100101, OMIM 208150, HP:0001989.

Allele frequency attached by ClinVar (database versions not stated): gnomAD 0.00001 and 0.00003; TOPMed 0.00005; ESP Exome Variant Server 0.00008.
gnomAD v4.1: 8 of 1,613,878 alleles (0.0005%); highest among the groups gnomAD compares: Admixed American, 0.0017%; no homozygotes.

Submissions (3):

Women's Health and Genetics/Laboratory Corporation of America, LabCorp
Classification: Uncertain significance. Last evaluated: 2024-12-10. Review status: criteria provided, single submitter. Criteria: LabCorp Variant Classification Summary - May 2015. Collection method: clinical testing. Allele origin: germline.
Comment: Variant summary: MUSK c.2408A>G (p.Tyr803Cys) results in a non-conservative amino acid change located in the Tyrosine kinase, catalytic domain (IPR020635) of the encoded protein sequence. Four of five in-silico tools predict a damaging effect of the variant on protein function. The variant was absent in 249040 control chromosomes. The available data on variant occurrences in the general population are insufficient to allow any conclusion about variant significance. c.2408A>G has been reported in the literature in a compound heterozygous fetus with fetal akinesia (Vora_2017). These data do not allow any conclusion about variant significance. To our knowledge, no experimental evidence demonstrating an impact on protein function has been reported. The following publication have been ascertained in the context of this evaluation (PMID: 28518170). ClinVar contains an entry for this variant (Variation ID: 452225). Based on the evidence outlined above, the variant was classified as uncertain significance.

GeneDx
Classification: Likely pathogenic. Last evaluated: 2023-08-02. Review status: criteria provided, single submitter. Criteria: GeneDx Variant Classification Process June 2021. Collection method: clinical testing. Allele origin: germline. Affected: yes.
Comment: Reported previously in the compound heterozygous state and as a variant of uncertain significance in a fetus with fetal akinesia sequence (Vora et al., 2017); Not observed at significant frequency in large population cohorts (gnomAD); In silico analysis supports that this missense variant has a deleterious effect on protein structure/function; This variant is associated with the following publications: (PMID: 25537362, 31974414, 28518170)

Labcorp Genetics (formerly Invitae), Labcorp
Classification: Uncertain significance for Congenital myasthenic syndrome 9; Fetal akinesia deformation sequence 1. Last evaluated: 2022-07-04. Review status: criteria provided, single submitter. Criteria: Invitae Variant Classification Sherloc (09022015). Collection method: clinical testing. Allele origin: germline.
Comment: This sequence change replaces tyrosine, which is neutral and polar, with cysteine, which is neutral and slightly polar, at codon 803 of the MUSK protein (p.Tyr803Cys). This variant is present in population databases (rs376837791, gnomAD 0.01%). This missense change has been observed in individual(s) with fetal akinesia deformation sequence (PMID: 28518170). ClinVar contains an entry for this variant (Variation ID: 452225). Advanced modeling of protein sequence and biophysical properties (such as structural, functional, and spatial information, amino acid conservation, physicochemical variation, residue mobility, and thermodynamic stability) performed at Invitae indicates that this missense variant is expected to disrupt MUSK protein function. In summary, the available evidence is currently insufficient to determine the role of this variant in disease. Therefore, it has been classified as a Variant of Uncertain Significance.

Literature cited by the submitters: PubMed 28518170 (cited by Women's Health and Genetics/Laboratory Corporation of America, LabCorp and Labcorp Genetics (formerly Invitae), Labcorp).